The following is an entry in ClinVar:

NM_004006.3(DMD):c.5868G>A (p.Trp1956Ter)

Gene: DMD (dystrophin; minus strand). Cytogenetic location: Xp21.1.
Variant type: single nucleotide variant.
Coding change: c.5868G>A on transcript NM_004006.3 (MANE Select); coding-DNA position 5868, G replaced by A.
Protein change: p.Trp1956Ter; replaces tryptophan 1956 with a stop codon.
Molecular consequence: nonsense.
Genome position (GRCh38, 1-based): chrX:32,342,154, C>T on the plus strand (G>A on the coding strand, the complement: DMD is on the minus strand). VCF-style: chrX-32342154-C-T. GRCh37 (hg19) VCF-style: chrX-32360271-C-T.
Other names: c.5844G>A, p.Trp1948Ter (NM_000109.4); c.5856G>A, p.Trp1952Ter (NM_004009.3); c.5499G>A, p.Trp1833Ter (NM_004010.3); c.1845G>A, p.Trp615Ter (NM_004011.4); c.1836G>A, p.Trp612Ter (NM_004012.4); short protein forms W1956*, W1948*, W1952*, W615*, W612*, W1833*.
Identifiers: ClinVar variation 197434 (VCV000197434.14), dbSNP rs794727666, ClinGen allele CA346882.

ClinVar aggregate classification (germline): Pathogenic. Review status: criteria provided, multiple submitters, no conflicts (2 of 4 stars). 4 submissions from 4 submitters: Pathogenic (4). Last evaluated 2022-11-16.

Conditions:
Becker muscular dystrophy (BMD). Also called: Becker Muscular Dystrophy (BMD); MUSCULAR DYSTROPHY, PSEUDOHYPERTROPHIC PROGRESSIVE, BECKER TYPE. Identifiers: Orphanet 98895, MedGen C0917713, MONDO:0010311, OMIM 300376.
Duchenne muscular dystrophy (DMD). Also called: MUSCULAR DYSTROPHY, PSEUDOHYPERTROPHIC PROGRESSIVE, DUCHENNE TYPE; Duchenne Muscular Dystrophy (DMD). Identifiers: Orphanet 98896, MedGen C0013264, MONDO:0010679, OMIM 310200.

Submissions (4):

Labcorp Genetics (formerly Invitae), Labcorp
Classification: Pathogenic for Duchenne muscular dystrophy. Last evaluated: 2022-11-16. Review status: criteria provided, single submitter. Criteria: Invitae Variant Classification Sherloc (09022015). Collection method: clinical testing. Allele origin: germline.
Comment: For these reasons, this variant has been classified as Pathogenic. ClinVar contains an entry for this variant (Variation ID: 197434). This premature translational stop signal has been observed in individual(s) with DMD-related muscular dystrophy (PMID: 19937601, 30833962). This variant is not present in population databases (gnomAD no frequency). This sequence change creates a premature translational stop signal (p.Trp1956*) in the DMD gene. It is expected to result in an absent or disrupted protein product. Loss-of-function variants in DMD are known to be pathogenic (PMID: 16770791, 25007885).

Revvity Omics, Revvity
Classification: Pathogenic. Last evaluated: 2022-06-10. Review status: criteria provided, single submitter. Criteria: ACMG Guidelines, 2015. Collection method: clinical testing. Allele origin: germline.

3billion
Classification: Pathogenic for Becker muscular dystrophy. Last evaluated: 2022-05-22. Review status: criteria provided, single submitter. Criteria: ACMG Guidelines, 2015. Collection method: clinical testing. Allele origin: germline. Affected: yes. Observed: 1 heterozygote.
Comment: The variant is not observed in the gnomAD v2.1.1 dataset. Stop-gained (nonsense): predicted to result in a loss or disruption of normal protein function through nonsense-mediated decay (NMD) or protein truncation. Multiple pathogenic variants are reported downstream of the variant. The variant has been reported at least twice as pathogenic without evidence for the classification (ClinVar ID: VCV000197434 / PMID: 30833962). Therefore, this variant is classified as pathogenic according to the recommendation of ACMG/AMP guideline.

Eurofins Ntd Llc (ga)
Classification: Pathogenic. Last evaluated: 2015-05-28. Review status: criteria provided, single submitter. Criteria: EGL Classification Definitions 2015. Collection method: clinical testing. Allele origin: germline. Observed: 1 variant allele, 1 heterozygote.

Literature cited by the submitters: PubMed 19937601 (cited by Labcorp Genetics (formerly Invitae), Labcorp and Eurofins Ntd Llc (ga)); PubMed 30833962 (cited by Labcorp Genetics (formerly Invitae), Labcorp and 3billion); PubMed 16770791 (cited by Labcorp Genetics (formerly Invitae), Labcorp); PubMed 25007885 (cited by Labcorp Genetics (formerly Invitae), Labcorp).